The following is an entry in ClinVar:

NM_012309.5(SHANK2):c.3707G>T (p.Gly1236Val)

Gene: SHANK2 (SH3 and multiple ankyrin repeat domains 2; minus strand). Cytogenetic location: 11q13.3.
Variant type: single nucleotide variant.
Coding change: c.3707G>T on transcript NM_012309.5 (MANE Select); coding-DNA position 3707, G replaced by T.
Protein change: p.Gly1236Val; replaces glycine 1236 with valine.
Molecular consequence: missense variant.
Genome position (GRCh38, 1-based): chr11:70,486,586, C>A on the plus strand (G>T on the coding strand, the complement: SHANK2 is on the minus strand). VCF-style: chr11-70486586-C-A. GRCh37 (hg19) VCF-style: chr11-70332691-C-A.
Other names: c.2570G>T, p.Gly857Val (NM_001379226.1); c.1943G>T, p.Gly648Val (NM_133266.5); short protein forms G1236V, G648V, G857V.
Identifiers: ClinVar variation 2429234 (VCV002429234.3), dbSNP rs781873804, ClinGen allele CA381685365.

ClinVar aggregate classification (germline): Uncertain significance (1 of 4 stars; one submission).

Submission:

Women's Health and Genetics/Laboratory Corporation of America, LabCorp
Classification: Uncertain significance. Last evaluated: 2023-01-31. Review status: criteria provided, single submitter. Criteria: LabCorp Variant Classification Summary - May 2015. Collection method: clinical testing. Allele origin: germline.
Comment: Variant summary: SHANK2 c.3560G>T (p.Gly1187Val) results in a non-conservative amino acid change in the encoded protein sequence. Two of four in-silico tools predict a benign effect of the variant on protein function. The variant was absent in 250904 control chromosomes. The available data on variant occurrences in the general population are insufficient to allow any conclusion about variant significance. To our knowledge, no occurrence of c.3560G>T in individuals affected with Autism, Susceptibility To, 17 and no experimental evidence demonstrating its impact on protein function have been reported. No clinical diagnostic laboratories have submitted clinical-significance assessments for this variant to ClinVar after 2014. Based on the evidence outlined above, the variant was classified as uncertain significance.